The following is an entry in ClinVar:

NM_001130009.3(GEN1):c.1107C>G (p.His369Gln)

Gene: GEN1 (GEN1 Holliday junction 5' flap endonuclease; plus strand). Cytogenetic location: 2p24.2.
Variant type: single nucleotide variant.
Coding change: c.1107C>G on transcript NM_001130009.3 (MANE Select); coding-DNA position 1107, C replaced by G.
Protein change: p.His369Gln; replaces histidine 369 with glutamine.
Molecular consequence: missense variant.
Genome position (GRCh38, 1-based): chr2:17,774,306, C>G. VCF-style: chr2-17774306-C-G. GRCh37 (hg19) VCF-style: chr2-17955573-C-G.
Other names: c.1107C>G, p.His369Gln (NM_182625.5); short protein forms H369Q.
Identifiers: ClinVar variation 4263073 (VCV004263073.1).

ClinVar aggregate classification (germline): Uncertain significance (1 of 4 stars; one submission).

Submission:

Ambry Genetics
Classification: Uncertain significance. Last evaluated: 2025-08-10. Review status: criteria provided, single submitter. Criteria: Ambry Variant Classification Scheme 2023. Collection method: clinical testing. Allele origin: germline.
Comment: The p.H369Q variant (also known as c.1107C>G), located in coding exon 10 of the GEN1 gene, results from a C to G substitution at nucleotide position 1107. The histidine at codon 369 is replaced by glutamine, an amino acid with highly similar properties. This amino acid position is conserved. In addition, this alteration is predicted to be tolerated by in silico analysis. Based on the available evidence, the clinical significance of this variant remains unclear.